The following is an entry in ClinVar:

NM_014008.5(CCDC22):c.383G>A (p.Arg128Gln)

Gene: CCDC22 (CCC complex scaffolding subunit CCDC22; plus strand). Cytogenetic location: Xp11.23.
Variant type: single nucleotide variant.
Coding change: c.383G>A on transcript NM_014008.5 (MANE Select); coding-DNA position 383, G replaced by A.
Protein change: p.Arg128Gln; replaces arginine 128 with glutamine.
Molecular consequence: missense variant.
Genome position (GRCh38, 1-based): chrX:49,242,907, G>A. VCF-style: chrX-49242907-G-A. GRCh37 (hg19) VCF-style: chrX-49099373-G-A.
Other names: short protein forms R128Q.
Identifiers: ClinVar variation 1032586 (VCV001032586.15), dbSNP rs782726788, ClinGen allele CA10411232.

ClinVar aggregate classification (germline): Uncertain significance. Review status: criteria provided, multiple submitters, no conflicts (2 of 4 stars). 3 submissions from 3 submitters: Uncertain significance (3). Last evaluated 2025-01-01.

Conditions:
Ritscher-Schinzel syndrome 2. Identifiers: Orphanet 7, MedGen C4225419, MONDO:0010499, OMIM 300963.

Allele frequency attached by ClinVar (database versions not stated): gnomAD 0.00001 and 0.00002; gnomAD exomes 0.00002 and 0.00008; TOPMed 0.00008; ExAC 0.00017.

Submissions (3):

CeGaT Center for Human Genetics Tuebingen
Classification: Uncertain significance. Last evaluated: 2025-01-01. Review status: criteria provided, single submitter. Criteria: CeGaT Center For Human Genetics Tuebingen Variant Classification Criteria Version 2. Collection method: clinical testing. Allele origin: germline. Affected: yes. Observed: 1 variant allele.
Comment: CCDC22: PM2, BP4

Fulgent Genetics
Classification: Uncertain significance for Ritscher-Schinzel syndrome 2. Last evaluated: 2022-03-07. Review status: criteria provided, single submitter. Criteria: ACMG Guidelines, 2015. Collection method: clinical testing. Allele origin: unknown.

Baylor Genetics
Classification: Uncertain significance for Ritscher-Schinzel syndrome 2. Last evaluated: 2018-01-25. Review status: criteria provided, single submitter. Criteria: ACMG Guidelines, 2015. Collection method: clinical testing. Allele origin: maternal. Affected: yes.
Comment: This variant was determined to be of uncertain significance according to ACMG Guidelines, 2015 [PMID:25741868].